The following is an entry in ClinVar:

NM_003978.5(PSTPIP1):c.137+57G>A

Gene: PSTPIP1 (proline-serine-threonine phosphatase interacting protein 1; plus strand). Cytogenetic location: 15q24.3.
Variant type: single nucleotide variant.
Coding change: c.137+57G>A on transcript NM_003978.5 (MANE Select); 57 bases into the intron after coding-DNA position 137, G replaced by A.
Molecular consequence: intron variant.
Genome position (GRCh38, 1-based): chr15:77,018,305, G>A. VCF-style: chr15-77018305-G-A. GRCh37 (hg19) VCF-style: chr15-77310646-G-A.
Other names: c.332+57G>A (NM_001321137.1); c.110+57G>A (NM_001321136.2); c.137+57G>A (NM_001321135.2).
Identifiers: ClinVar variation 670318 (VCV000670318.2), dbSNP rs3812912, ClinGen allele CA273744666.

ClinVar aggregate classification (germline): Benign. Review status: criteria provided, multiple submitters, no conflicts (2 of 4 stars). 2 submissions from 2 submitters: Benign (2). Last evaluated 2018-06-16.

Allele frequency attached by ClinVar (database versions not stated): TOPMed 0.03883; gnomAD 0.03894 and 0.03942; 1000 Genomes Project 0.05571; 1000 Genomes Project 30x 0.05668.
gnomAD v4.1: 53,901 of 1,544,152 alleles (3.5%); highest among the groups gnomAD compares: East Asian, 6.3%; 1,100 homozygotes.

Submissions (2):

GeneDx
Classification: Benign. Last evaluated: 2018-06-16. Review status: criteria provided, single submitter. Criteria: GeneDx Variant Classification (06012015). Collection method: clinical testing. Allele origin: germline. Affected: yes.
Comment: This variant is considered likely benign or benign based on one or more of the following criteria: it is a conservative change, it occurs at a poorly conserved position in the protein, it is predicted to be benign by multiple in silico algorithms, and/or has population frequency not consistent with disease.

Breakthrough Genomics
Classification: Benign. Review status: criteria provided, single submitter. Criteria: ACMG Guidelines, 2015. Collection method: not provided. Allele origin: germline. Inheritance: Autosomal dominant inheritance. Affected: yes.